The following is an entry in ClinVar:

NM_153816.6(SNX14):c.125C>G (p.Ser42Cys)

Gene: SNX14 (sorting nexin 14; minus strand). Cytogenetic location: 6q14.3.
Variant type: single nucleotide variant.
Coding change: c.125C>G on transcript NM_153816.6 (MANE Select); coding-DNA position 125, C replaced by G.
Protein change: p.Ser42Cys; replaces serine 42 with cysteine.
Molecular consequence: missense variant. On other transcripts: 5 prime UTR variant (5), non-coding transcript variant (4), intron variant (9).
Genome position (GRCh38, 1-based): chr6:85,593,594, G>C on the plus strand (C>G on the coding strand, the complement: SNX14 is on the minus strand). VCF-style: chr6-85593594-G-C. GRCh37 (hg19) VCF-style: chr6-86303312-G-C.
Other names: c.125C>G (NM_153816.3); c.125C>G, p.Ser42Cys (NM_001297614.3, NM_001350532.2, NM_001350533.2 and 8 more transcripts); c.-276C>G (NM_001350545.2); c.-895C>G (NM_001350548.2); c.-1027C>G (NM_001350550.2); c.-942C>G (NM_001350551.2); c.-1059C>G (NM_001350552.2); c.-17+240C>G (NM_001350543.2, NM_001350539.2, NM_001350542.2 and 2 more transcripts); and 3 more; short protein forms S42C.
Identifiers: ClinVar variation 1707011 (VCV001707011.6), dbSNP rs1297367764, ClinGen allele CA364905401.

ClinVar aggregate classification (germline): Uncertain significance. Review status: criteria provided, multiple submitters, no conflicts (2 of 4 stars). 3 submissions from 3 submitters: Uncertain significance (3). Last evaluated 2025-02-04.

Conditions:
Inborn genetic diseases. Identifiers: MedGen C0950123, MeSH D030342.

Allele frequency attached by ClinVar (database versions not stated): gnomAD exomes below 0.00001; TOPMed 0.00001.
gnomAD v4.1: 3 of 1,612,276 alleles (0.00019%); highest among the groups gnomAD compares: African/African-American, 0.0027%; no homozygotes.

Submissions (3):

Ambry Genetics
Classification: Uncertain significance for Inborn genetic diseases. Last evaluated: 2025-02-04. Review status: criteria provided, single submitter. Criteria: Ambry Variant Classification Scheme 2023. Collection method: clinical testing. Allele origin: germline.

Labcorp Genetics (formerly Invitae), Labcorp
Classification: Uncertain significance. Last evaluated: 2023-01-13. Review status: criteria provided, single submitter. Criteria: Invitae Variant Classification Sherloc (09022015). Collection method: clinical testing. Allele origin: germline.
Comment: In summary, the available evidence is currently insufficient to determine the role of this variant in disease. Therefore, it has been classified as a Variant of Uncertain Significance. Advanced modeling of protein sequence and biophysical properties (such as structural, functional, and spatial information, amino acid conservation, physicochemical variation, residue mobility, and thermodynamic stability) performed at Invitae indicates that this missense variant is not expected to disrupt SNX14 protein function. ClinVar contains an entry for this variant (Variation ID: 1707011). This variant has not been reported in the literature in individuals affected with SNX14-related conditions. This variant is present in population databases (no rsID available, gnomAD 0.01%). This sequence change replaces serine, which is neutral and polar, with cysteine, which is neutral and slightly polar, at codon 42 of the SNX14 protein (p.Ser42Cys).

GeneDx
Classification: Uncertain significance. Last evaluated: 2022-03-22. Review status: criteria provided, single submitter. Criteria: GeneDx Variant Classification Process June 2021. Collection method: clinical testing. Allele origin: germline. Affected: yes.
Comment: Not observed at significant frequency in large population cohorts (gnomAD); In silico analysis supports that this missense variant does not alter protein structure/function; Has not been previously published as pathogenic or benign to our knowledge